The following is an entry in ClinVar:

ClinVar aggregate classification (germline): Pathogenic (1 of 4 stars; one submission).
ClinVar aggregate classification (oncogenicity): Likely oncogenic (1 of 4 stars; one submission).

Conditions:
Neoplasm. Also called: tumor; Neoplasms; Neoplasm (disease). Identifiers: MedGen C0027651, MeSH D009369, MONDO:0005070, HP:0002664.

gnomAD v4.1: 24 of 1,551,470 alleles (0.0015%); highest among the groups gnomAD compares: African/African-American, 0.0027%; no homozygotes.

Submissions (2):

Labcorp Genetics (formerly Invitae), Labcorp
Classification: Pathogenic. Last evaluated: 2026-01-13. Review status: criteria provided, single submitter. Criteria: Invitae Variant Classification Sherloc (09022015). Collection method: clinical testing. Allele origin: germline.
Comment: This sequence change creates a premature translational stop signal (p.Arg1216*) in the TET2 gene. It is expected to result in an absent or disrupted protein product. Loss-of-function variants in TET2 are known to be pathogenic (PMID: 36066697). The frequency data for this variant in the population databases is considered unreliable, as metrics indicate poor data quality at this position in the gnomAD database. This premature translational stop signal has been observed in individual(s) with breast cancer (PMID: 29316957). ClinVar contains an entry for this variant (Variation ID: 3765062). For these reasons, this variant has been classified as Pathogenic.

Center for Genomic Medicine, Rigshospitalet, Copenhagen University Hospital
Classification: Likely oncogenic for Neoplasm. Last evaluated: 2025-03-04. Review status: criteria provided, single submitter. Criteria: ClinGen/CGC/VICC Guidelines for Oncogenicity, 2022. Collection method: clinical testing. Allele origin: somatic. Affected: yes.

Literature cited by the submitters: PubMed 36066697 (cited by Labcorp Genetics (formerly Invitae), Labcorp); PubMed 29316957 (cited by Labcorp Genetics (formerly Invitae), Labcorp); PubMed 24994606 (cited by Center for Genomic Medicine, Rigshospitalet, Copenhagen University Hospital).

NM_001127208.3(TET2):c.3646C>T (p.Arg1216Ter)

Genes: TET2 (tet methylcytosine dioxygenase 2; plus strand), TET2-AS1 (TET2 antisense RNA 1; minus strand). Cytogenetic location: 4q24.
Variant type: single nucleotide variant.
Coding change: c.3646C>T on transcript NM_001127208.3 (MANE Select); coding-DNA position 3646, C replaced by T.
Protein change: p.Arg1216Ter; replaces arginine 1216 with a stop codon.
Molecular consequence: nonsense.
Genome position (GRCh38, 1-based): chr4:105,243,621, C>T. VCF-style: chr4-105243621-C-T. GRCh37 (hg19) VCF-style: chr4-106164778-C-T.
Other names: short protein forms R1216*.
Identifiers: ClinVar variation 3765062 (VCV003765062.2).